The following is an entry in ClinVar:

ClinVar aggregate classification (germline): Uncertain significance (1 of 4 stars; one submission).

Conditions:
Immunodeficiency 104. Also called: SCID, AUTOSOMAL RECESSIVE, T CELL-NEGATIVE, B CELL-POSITIVE, NK CELL-POSITIVE; IMMUNODEFICIENCY 104, SEVERE COMBINED; Severe combined immunodeficiency, autosomal recessive, T cell-negative, B cell-positive, NK cell-positive; Severe Combined Immune Deficiency, Autosomal Recessive, TCell -Negative, B Cell-Positive, NK Cell-Positive, IL7R-Related. Identifiers: MedGen C5676890, MONDO:0012163, OMIM 608971.

Submission:

Labcorp Genetics (formerly Invitae), Labcorp
Classification: Uncertain significance for Immunodeficiency 104. Last evaluated: 2022-11-15. Review status: criteria provided, single submitter. Criteria: Invitae Variant Classification Sherloc (09022015). Collection method: clinical testing. Allele origin: germline.
Comment: In summary, the available evidence is currently insufficient to determine the role of this variant in disease. Therefore, it has been classified as a Variant of Uncertain Significance. Advanced modeling of protein sequence and biophysical properties (such as structural, functional, and spatial information, amino acid conservation, physicochemical variation, residue mobility, and thermodynamic stability) performed at Invitae indicates that this missense variant is not expected to disrupt IL7R protein function. ClinVar contains an entry for this variant (Variation ID: 949702). This variant has not been reported in the literature in individuals affected with IL7R-related conditions. This variant is not present in population databases (gnomAD no frequency). This sequence change replaces aspartic acid, which is acidic and polar, with asparagine, which is neutral and polar, at codon 403 of the IL7R protein (p.Asp403Asn).

NM_002185.5(IL7R):c.1207G>A (p.Asp403Asn)

Gene: IL7R (interleukin 7 receptor; plus strand). Cytogenetic location: 5p13.2.
Variant type: single nucleotide variant.
Coding change: c.1207G>A on transcript NM_002185.5 (MANE Select); coding-DNA position 1207, G replaced by A.
Protein change: p.Asp403Asn; replaces aspartic acid 403 with asparagine.
Molecular consequence: missense variant. On other transcripts: non-coding transcript variant (1).
Genome position (GRCh38, 1-based): chr5:35,876,313, G>A. VCF-style: chr5-35876313-G-A. GRCh37 (hg19) VCF-style: chr5-35876415-G-A.
Other names: short protein forms D403N.
Identifiers: ClinVar variation 949702 (VCV000949702.10), dbSNP rs1760214751, ClinGen allele CA359433718.